The following is an entry in ClinVar:

NM_004820.5(CYP7B1):c.112C>G (p.Arg38Gly)

Gene: CYP7B1 (cytochrome P450 family 7 subfamily B member 1; minus strand). Cytogenetic location: 8q12.3.
Variant type: single nucleotide variant.
Coding change: c.112C>G on transcript NM_004820.5 (MANE Select); coding-DNA position 112, C replaced by G.
Protein change: p.Arg38Gly; replaces arginine 38 with glycine.
Molecular consequence: missense variant.
Genome position (GRCh38, 1-based): chr8:64,798,476, G>C on the plus strand (C>G on the coding strand, the complement: CYP7B1 is on the minus strand). VCF-style: chr8-64798476-G-C. GRCh37 (hg19) VCF-style: chr8-65711033-G-C.
Other names: c.112C>G, p.Arg38Gly (NM_001324112.2); short protein forms R38G.
Identifiers: ClinVar variation 4986908 (VCV004986908.1).

ClinVar aggregate classification (germline): Uncertain significance (1 of 4 stars; one submission).

Conditions:
CYP7B1-related disorder. Also called: CYP7B1-related condition.

gnomAD v4.1: 3 of 1,512,794 alleles (0.0002%); highest among the groups gnomAD compares: South Asian, 0.0012%; no homozygotes.

Submission:

PreventionGenetics, part of Exact Sciences
Classification: Uncertain significance for CYP7B1-related condition. Last evaluated: 2026-06-02. Review status: criteria provided, single submitter. Criteria: ACMG Guidelines, 2015. Collection method: clinical testing. Allele origin: germline.
Comment: The CYP7B1 c.112C>G variant is predicted to result in the amino acid substitution p.Arg38Gly. To our knowledge, this variant has not been reported in the literature. This variant is reported in 0.0050% of alleles in individuals of South Asian descent in gnomAD. At this time, the clinical significance of this variant is uncertain due to the absence of conclusive functional and genetic evidence.